The following is an entry in ClinVar:

ClinVar aggregate classification (germline): Uncertain significance (1 of 4 stars; one submission).

Conditions:
Supravalvar aortic stenosis (SVAS). Also called: Supravalvar aortic stenosis, Eisenberg type. Identifiers: Orphanet 3193, MedGen C0003499, MONDO:0008504, OMIM 185500, HP:0004381.

gnomAD v4.1: 5 of 1,506,530 alleles (0.00033%); highest among the groups gnomAD compares: Admixed American, 0.0067%; no homozygotes.

Submission:

Labcorp Genetics (formerly Invitae), Labcorp
Classification: Uncertain significance for Supravalvar aortic stenosis. Last evaluated: 2024-12-21. Review status: criteria provided, single submitter. Criteria: Invitae Variant Classification Sherloc (09022015). Collection method: clinical testing. Allele origin: germline.
Comment: This sequence change replaces glycine, which is neutral and non-polar, with glutamic acid, which is acidic and polar, at codon 458 of the ELN protein (p.Gly458Glu). This variant is present in population databases (no rsID available, gnomAD 0.1%). This variant has not been reported in the literature in individuals affected with ELN-related conditions. Invitae Evidence Modeling of protein sequence and biophysical properties (such as structural, functional, and spatial information, amino acid conservation, physicochemical variation, residue mobility, and thermodynamic stability) indicates that this missense variant is not expected to disrupt ELN protein function with a negative predictive value of 80%. In summary, the available evidence is currently insufficient to determine the role of this variant in disease. Therefore, it has been classified as a Variant of Uncertain Significance.

NM_000501.4(ELN):c.1358-243G>A

Gene: ELN (elastin; plus strand). Cytogenetic location: 7q11.23.
Variant type: single nucleotide variant.
Coding change: c.1358-243G>A on transcript NM_000501.4 (MANE Select); 243 bases into the intron before coding-DNA position 1358, G replaced by A.
Molecular consequence: intron variant. On other transcripts: missense variant (1).
Genome position (GRCh38, 1-based): chr7:74,057,397, G>A. VCF-style: chr7-74057397-G-A. GRCh37 (hg19) VCF-style: chr7-73471727-G-A.
Other names: c.1373G>A, p.Gly458Glu (NM_001278939.2); c.1373-243G>A (NM_001081754.3); c.1372+684G>A (NM_001081753.3); c.1358-243G>A (NM_001278915.2, NM_001278912.2); c.1357+684G>A (NM_001081755.3); c.1315+684G>A (NM_001278916.2); c.1171+684G>A (NM_001278913.2); c.1342+684G>A (NM_001278914.2); and 3 more; short protein forms G458E.
Identifiers: ClinVar variation 3617513 (VCV003617513.2).